The following is an entry in ClinVar:

NM_002168.4(IDH2):c.967+4C>G

Gene: IDH2 (isocitrate dehydrogenase (NADP(+)) 2; minus strand). Cytogenetic location: 15q26.1.
Variant type: single nucleotide variant.
Coding change: c.967+4C>G on transcript NM_002168.4 (MANE Select); 4 bases into the intron after coding-DNA position 967, C replaced by G.
Molecular consequence: intron variant.
Genome position (GRCh38, 1-based): chr15:90,087,108, G>C on the plus strand (C>G on the coding strand, the complement: IDH2 is on the minus strand). VCF-style: chr15-90087108-G-C. GRCh37 (hg19) VCF-style: chr15-90630340-G-C.
Other names: c.577+4C>G (NM_001290114.2); c.811+4C>G (NM_001289910.1).
Identifiers: ClinVar variation 4707434 (VCV004707434.1).
Genomic context (GRCh38, chr15:90,087,108, plus strand): 5'-AATCCCTCCAGCCAGAGAAGACCAACAGTCCACCCCCACAGGGAGCAGCGTCCTCCCAGC[G>C]TACCCTGGGCCAGGATGTCTGACTGCACATCTCCGTCATAGTTCTTGCAGGCCCACACAA-3'

ClinVar aggregate classification (germline): Uncertain significance (1 of 4 stars; one submission).

Conditions:
D-2-hydroxyglutaric aciduria 2 (D2HGA2). Identifiers: Orphanet 79315, MedGen C3150909, MONDO:0013345, OMIM 613657.

gnomAD v4.1: 6 of 1,614,040 alleles (0.00037%); highest among the groups gnomAD compares: Non-Finnish European, 0.00042%; no homozygotes.

Submission:

Labcorp Genetics (formerly Invitae), Labcorp
Classification: Uncertain significance for D-2-hydroxyglutaric aciduria 2. Last evaluated: 2025-07-27. Review status: criteria provided, single submitter. Criteria: Invitae Variant Classification Sherloc (09022015). Collection method: clinical testing. Allele origin: germline.
Comment: This sequence change falls in intron 7 of the IDH2 gene. It does not directly change the encoded amino acid sequence of the IDH2 protein. It affects a nucleotide within the consensus splice site. This variant is present in population databases (no rsID available, gnomAD 0.0009%). This variant has not been reported in the literature in individuals affected with IDH2-related conditions. Variants that disrupt the consensus splice site are a relatively common cause of aberrant splicing (PMID: 17576681, 9536098). Algorithms developed to predict the effect of sequence changes on RNA splicing suggest that this variant is not likely to affect RNA splicing. In summary, the available evidence is currently insufficient to determine the role of this variant in disease. Therefore, it has been classified as a Variant of Uncertain Significance.

Literature cited by the submitters: PubMed 17576681; PubMed 9536098.